The following is an entry in ClinVar:

ClinVar aggregate classification (germline): Uncertain significance. Review status: criteria provided, multiple submitters, no conflicts (2 of 4 stars). 3 submissions from 3 submitters: Uncertain significance (3). Last evaluated 2022-08-12.

Conditions:
Primary ciliary dyskinesia. Also called: Ciliary dyskinesia. Identifiers: Orphanet 244, MedGen C0008780, MONDO:0016575, HP:0012265.

Allele frequency attached by ClinVar (database versions not stated): gnomAD exomes below 0.00001.
gnomAD v4.1: 1 of 1,613,938 alleles (0.000062%); highest among the groups gnomAD compares: Admixed American, 0.0017%; no homozygotes.

Submissions (3):

GeneDx
Classification: Uncertain significance. Last evaluated: 2022-08-12. Review status: criteria provided, single submitter. Criteria: GeneDx Variant Classification Process June 2021. Collection method: clinical testing. Allele origin: germline. Affected: yes.
Comment: Not observed at significant frequency in large population cohorts (gnomAD); In silico analysis supports that this missense variant has a deleterious effect on protein structure/function; Has not been previously published as pathogenic or benign to our knowledge

Ambry Genetics
Classification: Uncertain significance for Primary ciliary dyskinesia. Last evaluated: 2014-12-26. Review status: criteria provided, single submitter. Criteria: Ambry Variant Classification Scheme 2023. Collection method: clinical testing. Allele origin: germline.
Comment: The p.S1799L variant (also known as c.5396C>T), located in coding exon 33 of the DNAH5 gene, results from a C to T substitution at nucleotide position 5396. The serine at codon 1799 is replaced by leucine, an amino acid with dissimilar properties. This variant was not reported in population based cohorts in the following databases: Database of Single Nucleotide Polymorphisms (dbSNP), NHLBI Exome Sequencing Project (ESP), and 1000 Genomes Project. In the ESP, this variant was not observed in 6503 samples (13006 alleles) with coverage at this position. This amino acid position is completely conserved on sequence alignment. In addition, this alteration is predicted to be deleterious by in silico analysis. Since supporting evidence is limited at this time, the clinical significance of this variant remains unclear.

Eurofins Ntd Llc (ga)
Classification: Uncertain significance. Last evaluated: 2014-02-18. Review status: criteria provided, single submitter. Criteria: EGL Classification Definitions 2015. Collection method: clinical testing. Allele origin: germline. Observed: 2 variant alleles, 2 heterozygotes.

NM_001369.3(DNAH5):c.5396C>T (p.Ser1799Leu)

Gene: DNAH5 (dynein axonemal heavy chain 5; minus strand). Cytogenetic location: 5p15.2.
Variant type: single nucleotide variant.
Coding change: c.5396C>T on transcript NM_001369.3 (MANE Select); coding-DNA position 5396, C replaced by T.
Protein change: p.Ser1799Leu; replaces serine 1799 with leucine.
Molecular consequence: missense variant.
Genome position (GRCh38, 1-based): chr5:13,841,780, G>A on the plus strand (C>T on the coding strand, the complement: DNAH5 is on the minus strand). VCF-style: chr5-13841780-G-A. GRCh37 (hg19) VCF-style: chr5-13841889-G-A.
Other names: short protein forms S1799L.
Identifiers: ClinVar variation 167004 (VCV000167004.9), dbSNP rs727503903, ClinGen allele CA233909.